The following is an entry in ClinVar:

ClinVar aggregate classification (germline): Uncertain significance (1 of 4 stars; one submission).

Conditions:
Inborn genetic diseases. Identifiers: MedGen C0950123, MeSH D030342.

Submission:

Ambry Genetics
Classification: Uncertain significance for Inborn genetic diseases. Last evaluated: 2023-11-09. Review status: criteria provided, single submitter. Criteria: Ambry Variant Classification Scheme 2023. Collection method: clinical testing. Allele origin: germline.
Comment: The p.P440R variant (also known as c.1319C>G), located in coding exon 5 of the ATR gene, results from a C to G substitution at nucleotide position 1319. The proline at codon 440 is replaced by arginine, an amino acid with dissimilar properties. This amino acid position is conserved. In addition, this alteration is predicted to be tolerated by in silico analysis. Since supporting evidence is limited at this time, the clinical significance of this alteration remains unclear.

NM_001184.4(ATR):c.1319C>G (p.Pro440Arg)

Gene: ATR (ATR checkpoint kinase; minus strand). Cytogenetic location: 3q23.
Variant type: single nucleotide variant.
Coding change: c.1319C>G on transcript NM_001184.4 (MANE Select); coding-DNA position 1319, C replaced by G.
Protein change: p.Pro440Arg; replaces proline 440 with arginine.
Molecular consequence: missense variant.
Genome position (GRCh38, 1-based): chr3:142,561,273, G>C on the plus strand (C>G on the coding strand, the complement: ATR is on the minus strand). VCF-style: chr3-142561273-G-C. GRCh37 (hg19) VCF-style: chr3-142280115-G-C.
Other names: c.1319C>G, p.Pro440Arg (NM_001354579.2); short protein forms P440R.
Identifiers: ClinVar variation 3221046 (VCV003221046.1), dbSNP rs2473421171, ClinGen allele CA354823176.
Genomic context (GRCh38, chr3:142,561,273, plus strand): 5'-TAAATACAAACTGAATGAAGGTCATCATACTCCTCAGTCTGTTTTGGTGCTCTTTTAGAA[G>C]GGTTTAGAGACGAGCTGAGACGACGCCTTTTGGGTGATATTCCATCACTATTACTGCTGA-3'
Protein context (NP_001175.2, residues 430-450): KRRRLSSSLN[Pro440Arg]SKRAPKQTEE